The following is an entry in ClinVar:

NM_004813.4(PEX16):c.681G>A (p.Arg227=)

Gene: PEX16 (peroxisomal biogenesis factor 16; minus strand). Cytogenetic location: 11p11.2.
Variant type: single nucleotide variant.
Coding change: c.681G>A on transcript NM_004813.4 (MANE Select); coding-DNA position 681, G replaced by A.
Protein change: p.Arg227=; no amino-acid change (arginine 227 retained).
Molecular consequence: synonymous variant.
Genome position (GRCh38, 1-based): chr11:45,914,329, C>T on the plus strand (G>A on the coding strand, the complement: PEX16 is on the minus strand). VCF-style: chr11-45914329-C-T. GRCh37 (hg19) VCF-style: chr11-45935880-C-T.
Other names: c.681G>A, p.Arg227= (NM_057174.3); c.681G>A (NM_004813.2).
Identifiers: ClinVar variation 2737455 (VCV002737455.6), dbSNP rs1222437169, ClinGen allele CA473861033.

ClinVar aggregate classification (germline): Likely benign. Review status: criteria provided, multiple submitters, no conflicts (2 of 4 stars). 3 submissions from 3 submitters: Likely benign (2). 1 of the submissions does not count toward it. Last evaluated 2024-02-13.

Conditions:
PEX16-related disorder. Also called: PEX16-related condition.
Peroxisome biogenesis disorder. Identifiers: Orphanet 79189, MedGen C1832200, MONDO:0019234. Disease mechanism: loss of function.

Allele frequency attached by ClinVar (database versions not stated): gnomAD exomes 0.00001.
gnomAD v4.1: 4 of 1,613,024 alleles (0.00025%); highest among the groups gnomAD compares: East Asian, 0.0089%; no homozygotes.

Submissions (3):

Labcorp Genetics (formerly Invitae), Labcorp
Classification: Likely benign for Peroxisome biogenesis disorder. Last evaluated: 2024-02-13. Review status: criteria provided, single submitter. Criteria: Invitae Variant Classification Sherloc (09022015). Collection method: clinical testing. Allele origin: germline.

Blueprint Genetics
Classification: Likely benign. Last evaluated: 2022-03-10. Review status: criteria provided, single submitter. Criteria: ACMG Guidelines, 2015. Collection method: clinical testing. Allele origin: germline.

PreventionGenetics, part of Exact Sciences
Classification: Likely benign for PEX16-related condition. Last evaluated: 2023-02-06. Review status: no assertion criteria provided. Collection method: clinical testing. Allele origin: germline. Not counted in ClinVar's aggregate classification.
Comment: This variant is classified as likely benign based on ACMG/AMP sequence variant interpretation guidelines (Richards et al. 2015 PMID: 25741868, with internal and published modifications).